The following is an entry in ClinVar:

ClinVar aggregate classification (germline): Likely benign (1 of 4 stars; one submission).

Allele frequency attached by ClinVar (database versions not stated): gnomAD 0.00001; TOPMed 0.00003.
gnomAD v4.1: 7 of 1,612,422 alleles (0.00043%); highest among the groups gnomAD compares: African/African-American, 0.0053%; no homozygotes.

Submission:

CeGaT Center for Human Genetics Tuebingen
Classification: Likely benign. Last evaluated: 2022-03-01. Review status: criteria provided, single submitter. Criteria: CeGaT Center For Human Genetics Tuebingen Variant Classification Criteria Version 2. Collection method: clinical testing. Allele origin: germline. Affected: yes. Observed: 1 variant allele.
Comment: DPP6: BP4, BP7

NM_130797.4(DPP6):c.1221C>T (p.Ile407=)

Gene: DPP6 (dipeptidyl peptidase like 6; plus strand). Cytogenetic location: 7q36.2.
Variant type: single nucleotide variant.
Coding change: c.1221C>T on transcript NM_130797.4 (MANE Select); coding-DNA position 1221, C replaced by T.
Protein change: p.Ile407=; no amino-acid change (isoleucine 407 retained).
Molecular consequence: synonymous variant. On other transcripts: non-coding transcript variant (2).
Genome position (GRCh38, 1-based): chr7:154,794,163, C>T. VCF-style: chr7-154794163-C-T. GRCh37 (hg19) VCF-style: chr7-154585873-C-T.
Other names: c.1029C>T, p.Ile343= (NM_001039350.3, NM_001364501.2); c.900C>T, p.Ile300= (NM_001290252.2); c.1038C>T, p.Ile346= (NM_001364497.2, NM_001364498.2, NM_001364499.2 and 1 more transcripts); c.1035C>T, p.Ile345= (NM_001936.5).
Identifiers: ClinVar variation 2658265 (VCV002658265.24), dbSNP rs760831044, ClinGen allele CA458839854.